The following is an entry in ClinVar:

ClinVar aggregate classification (germline): Uncertain significance (1 of 4 stars; one submission).

Conditions:
Charcot-Marie-Tooth disease type 4. Also called: Charcot-Marie-Tooth, Type 4; Charcot-Marie-Tooth disease, type IV. Identifiers: Orphanet 64749, MedGen C4082197, MONDO:0018995.

Allele frequency attached by ClinVar (database versions not stated): gnomAD exomes below 0.00001; ExAC 0.00001.
gnomAD v4.1: 1 of 1,614,184 alleles (0.000062%); highest among the groups gnomAD compares: South Asian, 0.0011%; no homozygotes.

Submission:

Labcorp Genetics (formerly Invitae), Labcorp
Classification: Uncertain significance for Charcot-Marie-Tooth disease type 4. Last evaluated: 2018-11-08. Review status: criteria provided, single submitter. Criteria: Invitae Variant Classification Sherloc (09022015). Collection method: clinical testing. Allele origin: germline.
Comment: This sequence change replaces glutamine with arginine at codon 1833 of the SBF2 protein (p.Gln1833Arg). The glutamine residue is moderately conserved and there is a small physicochemical difference between glutamine and arginine. This variant is present in population databases (rs763965438, ExAC 0.006%). This variant has not been reported in the literature in individuals with SBF2-related disease. Algorithms developed to predict the effect of missense changes on protein structure and function (SIFT, PolyPhen-2, Align-GVGD) all suggest that this variant is likely to be tolerated, but these predictions have not been confirmed by published functional studies and their clinical significance is uncertain. In summary, the available evidence is currently insufficient to determine the role of this variant in disease. Therefore, it has been classified as a Variant of Uncertain Significance.

NM_030962.4(SBF2):c.5498A>G (p.Gln1833Arg)

Genes: SBF2 (SET binding factor 2; minus strand), SBF2-AS1 (SBF2 antisense RNA 1; plus strand). Cytogenetic location: 11p15.4.
Variant type: single nucleotide variant.
Coding change: c.5498A>G on transcript NM_030962.4 (MANE Select); coding-DNA position 5498, A replaced by G.
Protein change: p.Gln1833Arg; replaces glutamine 1833 with arginine.
Molecular consequence: missense variant.
Genome position (GRCh38, 1-based): chr11:9,780,470, T>C on the plus strand (A>G on the coding strand, the complement: SBF2 is on the minus strand). VCF-style: chr11-9780470-T-C. GRCh37 (hg19) VCF-style: chr11-9802017-T-C.
Other names: c.5594A>G, p.Gln1865Arg (NM_001386339.1); c.5369A>G, p.Gln1790Arg (NM_001386342.1); short protein forms Q1833R, Q1790R, Q1865R.
Identifiers: ClinVar variation 664779 (VCV000664779.9), dbSNP rs763965438, ClinGen allele CA5880683.